The following is an entry in ClinVar:

NM_138420.4(AHNAK2):c.6061G>A (p.Asp2021Asn)

Gene: AHNAK2 (AHNAK nucleoprotein 2; minus strand). Cytogenetic location: 14q32.33.
Variant type: single nucleotide variant.
Coding change: c.6061G>A on transcript NM_138420.4 (MANE Select); coding-DNA position 6061, G replaced by A.
Protein change: p.Asp2021Asn; replaces aspartic acid 2021 with asparagine.
Molecular consequence: missense variant.
Genome position (GRCh38, 1-based): chr14:104,949,390, C>T on the plus strand (G>A on the coding strand, the complement: AHNAK2 is on the minus strand). VCF-style: chr14-104949390-C-T. GRCh37 (hg19) VCF-style: chr14-105415727-C-T.
Other names: c.5761G>A, p.Asp1921Asn (NM_001350929.2); short protein forms D1921N, D2021N.
Identifiers: ClinVar variation 2644759 (VCV002644759.24), dbSNP rs370710538, ClinGen allele CA7381366.

ClinVar aggregate classification (germline): Likely benign (1 of 4 stars; one submission).

Allele frequency attached by ClinVar (database versions not stated): gnomAD exomes 0.00003; ExAC 0.00014; ESP Exome Variant Server 0.00025; gnomAD 0.00025; 1000 Genomes Project 30x 0.00062; 1000 Genomes Project 0.00080.
gnomAD v4.1: 94 of 1,582,198 alleles (0.0059%); highest among the groups gnomAD compares: African/African-American, 0.057%; 7 homozygotes.

Submission:

CeGaT Center for Human Genetics Tuebingen
Classification: Likely benign. Last evaluated: 2023-04-01. Review status: criteria provided, single submitter. Criteria: CeGaT Center For Human Genetics Tuebingen Variant Classification Criteria Version 2. Collection method: clinical testing. Allele origin: germline. Affected: yes. Observed: 1 variant allele.
Comment: AHNAK2: BP4, BS2